The following is an entry in ClinVar:

NM_000268.4(NF2):c.1088T>G (p.Met363Arg)

Gene: NF2 (NF2, moesin-ezrin-radixin like (MERLIN) tumor suppressor; plus strand). Cytogenetic location: 22q12.2.
Variant type: single nucleotide variant.
Coding change: c.1088T>G on transcript NM_000268.4 (MANE Select); coding-DNA position 1088, T replaced by G.
Protein change: p.Met363Arg; replaces methionine 363 with arginine.
Molecular consequence: missense variant. On other transcripts: non-coding transcript variant (1), intron variant (1).
Genome position (GRCh38, 1-based): chr22:29,671,914, T>G. VCF-style: chr22-29671914-T-G. GRCh37 (hg19) VCF-style: chr22-30067903-T-G.
Other names: c.1088T>G, p.Met363Arg (NM_016418.5, NM_181825.3, NM_181832.3); c.962T>G, p.Met321Arg (NM_181828.3); c.965T>G, p.Met322Arg (NM_181829.3); c.839T>G, p.Met280Arg (NM_181830.3, NM_181831.3); c.448-22838T>G (NM_181833.3); short protein forms M321R, M363R, M322R, M280R.
Identifiers: ClinVar variation 848750 (VCV000848750.11), dbSNP rs2066804849, ClinGen allele CA411147080.

ClinVar aggregate classification (germline): Uncertain significance. Review status: criteria provided, multiple submitters, no conflicts (2 of 4 stars). 2 submissions from 2 submitters: Uncertain significance (2). Last evaluated 2024-11-18.

Conditions:
Neurofibromatosis, type 2 (SWNV). Also called: BILATERAL ACOUSTIC NEUROFIBROMATOSIS; SCHWANNOMATOSIS, VESTIBULAR; NF2-Related Schwannomatosis. Identifiers: Orphanet 637, MedGen C0027832, MONDO:0007039, OMIM 101000. Disease mechanism: loss of function.
Hereditary cancer-predisposing syndrome. Also called: Tumor predisposition; Hereditary Cancer Syndrome; Hereditary neoplastic syndrome; Neoplastic Syndromes, Hereditary. Identifiers: Orphanet 140162, MedGen C0027672, MeSH D009386, MONDO:0015356.

gnomAD v4.1: 1 of 1,614,144 alleles (0.000062%); no homozygotes.

Submissions (2):

Labcorp Genetics (formerly Invitae), Labcorp
Classification: Uncertain significance for Neurofibromatosis, type 2. Last evaluated: 2024-11-18. Review status: criteria provided, single submitter. Criteria: Invitae Variant Classification Sherloc (09022015). Collection method: clinical testing. Allele origin: germline.
Comment: This sequence change replaces methionine, which is neutral and non-polar, with arginine, which is basic and polar, at codon 363 of the NF2 protein (p.Met363Arg). This variant is not present in population databases (gnomAD no frequency). This variant has not been reported in the literature in individuals affected with NF2-related conditions. ClinVar contains an entry for this variant (Variation ID: 848750). Invitae Evidence Modeling of protein sequence and biophysical properties (such as structural, functional, and spatial information, amino acid conservation, physicochemical variation, residue mobility, and thermodynamic stability) indicates that this missense variant is not expected to disrupt NF2 protein function with a negative predictive value of 80%. In summary, the available evidence is currently insufficient to determine the role of this variant in disease. Therefore, it has been classified as a Variant of Uncertain Significance.

Ambry Genetics
Classification: Uncertain significance for Hereditary cancer-predisposing syndrome. Last evaluated: 2023-03-06. Review status: criteria provided, single submitter. Criteria: Ambry Variant Classification Scheme 2023. Collection method: clinical testing. Allele origin: germline.
Comment: The p.M363R variant (also known as c.1088T>G), located in coding exon 11 of the NF2 gene, results from a T to G substitution at nucleotide position 1088. The methionine at codon 363 is replaced by arginine, an amino acid with similar properties. This amino acid position is conserved. In addition, the in silico prediction for this alteration is inconclusive. Since supporting evidence is limited at this time, the clinical significance of this alteration remains unclear.